The following is an entry in ClinVar:

NM_024548.4(CEP97):c.898C>T (p.His300Tyr)

Gene: CEP97 (centrosomal protein 97; plus strand). Cytogenetic location: 3q12.3.
Variant type: single nucleotide variant.
Coding change: c.898C>T on transcript NM_024548.4 (MANE Select); coding-DNA position 898, C replaced by T.
Protein change: p.His300Tyr; replaces histidine 300 with tyrosine.
Molecular consequence: missense variant.
Genome position (GRCh38, 1-based): chr3:101,757,067, C>T. VCF-style: chr3-101757067-C-T. GRCh37 (hg19) VCF-style: chr3-101475911-C-T.
Other names: c.898C>T, p.His300Tyr (NM_001303401.2); c.796C>T, p.His266Tyr (NM_001410784.1, NM_001410785.1); short protein forms H266Y, H300Y.
Identifiers: ClinVar variation 1977317 (VCV001977317.5), dbSNP rs1939025462, ClinGen allele CA353874590.

ClinVar aggregate classification (germline): Uncertain significance (1 of 4 stars; one submission).

Allele frequency attached by ClinVar (database versions not stated): TOPMed 0.00001.

Submission:

Labcorp Genetics (formerly Invitae), Labcorp
Classification: Uncertain significance. Last evaluated: 2023-08-04. Review status: criteria provided, single submitter. Criteria: Invitae Variant Classification Sherloc (09022015). Collection method: clinical testing. Allele origin: germline.
Comment: This sequence change replaces histidine, which is basic and polar, with tyrosine, which is neutral and polar, at codon 300 of the CEP97 protein (p.His300Tyr). In summary, the available evidence is currently insufficient to determine the role of this variant in disease. Therefore, it has been classified as a Variant of Uncertain Significance. Advanced modeling of protein sequence and biophysical properties (such as structural, functional, and spatial information, amino acid conservation, physicochemical variation, residue mobility, and thermodynamic stability) performed at Invitae indicates that this missense variant is not expected to disrupt CEP97 protein function. ClinVar contains an entry for this variant (Variation ID: 1977317). This variant has not been reported in the literature in individuals affected with CEP97-related conditions. This variant is not present in population databases (gnomAD no frequency).